The following is an entry in ClinVar:

ClinVar aggregate classification (germline): Likely benign (1 of 4 stars; one submission).

Allele frequency attached by ClinVar (database versions not stated): gnomAD exomes below 0.00001.
gnomAD v4.1: 2 of 1,606,778 alleles (0.00012%); highest among the groups gnomAD compares: Non-Finnish European, 0.00017%; no homozygotes.

Submission:

CeGaT Center for Human Genetics Tuebingen
Classification: Likely benign. Last evaluated: 2023-10-01. Review status: criteria provided, single submitter. Criteria: CeGaT Center For Human Genetics Tuebingen Variant Classification Criteria Version 2. Collection method: clinical testing. Allele origin: germline. Affected: yes. Observed: 1 variant allele.
Comment: SLC8A2: PM2:Supporting, BP4, BP7

NM_015063.3(SLC8A2):c.2646C>T (p.Gly882=)

Gene: SLC8A2 (solute carrier family 8 member A2; minus strand). Cytogenetic location: 19q13.32.
Variant type: single nucleotide variant.
Coding change: c.2646C>T on transcript NM_015063.3 (MANE Select); coding-DNA position 2646, C replaced by T.
Protein change: p.Gly882=; no amino-acid change (glycine 882 retained).
Molecular consequence: synonymous variant.
Genome position (GRCh38, 1-based): chr19:47,430,209, G>A on the plus strand (C>T on the coding strand, the complement: SLC8A2 is on the minus strand). VCF-style: chr19-47430209-G-A. GRCh37 (hg19) VCF-style: chr19-47933466-G-A.
Identifiers: ClinVar variation 2650149 (VCV002650149.24), dbSNP rs2515186492, ClinGen allele CA507984967.